The following is an entry in ClinVar:

NM_001277115.2(DNAH11):c.13429G>A (p.Glu4477Lys)

Genes: CDCA7L (cell division cycle associated 7 like; minus strand), DNAH11 (dynein axonemal heavy chain 11; plus strand). Cytogenetic location: 7p15.3.
Variant type: single nucleotide variant.
Coding change: c.13429G>A on transcript NM_001277115.2 (MANE Select); coding-DNA position 13429, G replaced by A.
Protein change: p.Glu4477Lys; replaces glutamic acid 4477 with lysine.
Molecular consequence: missense variant. On other transcripts: 3 prime UTR variant (3).
Genome position (GRCh38, 1-based): chr7:21,901,132, G>A. VCF-style: chr7-21901132-G-A. GRCh37 (hg19) VCF-style: chr7-21940750-G-A.
Other names: c.*1190C>T (NM_001127370.3, NM_001127371.3, NM_018719.5); short protein forms E4477K.
Identifiers: ClinVar variation 658258 (VCV000658258.8), dbSNP rs551275210, ClinGen allele CA4183491.

ClinVar aggregate classification (germline): Uncertain significance. Review status: criteria provided, multiple submitters, no conflicts (2 of 4 stars). 3 submissions from 3 submitters: Uncertain significance (3). Last evaluated 2024-10-21.

Conditions:
Primary ciliary dyskinesia. Also called: Ciliary dyskinesia. Identifiers: Orphanet 244, MedGen C0008780, MONDO:0016575, HP:0012265.

Allele frequency attached by ClinVar (database versions not stated): gnomAD 0.00004 and 0.00005; 1000 Genomes Project 0.00020; 1000 Genomes Project 30x 0.00031.
gnomAD v4.1: 55 of 1,613,236 alleles (0.0034%); highest among the groups gnomAD compares: African/African-American, 0.012%; no homozygotes.

Submissions (3):

Women's Health and Genetics/Laboratory Corporation of America, LabCorp
Classification: Uncertain significance. Last evaluated: 2024-10-21. Review status: criteria provided, single submitter. Criteria: LabCorp Variant Classification Summary - May 2015. Collection method: clinical testing. Allele origin: germline.

Labcorp Genetics (formerly Invitae), Labcorp
Classification: Uncertain significance for Primary ciliary dyskinesia. Last evaluated: 2022-10-13. Review status: criteria provided, single submitter. Criteria: Invitae Variant Classification Sherloc (09022015). Collection method: clinical testing. Allele origin: germline.
Comment: This sequence change replaces glutamic acid, which is acidic and polar, with lysine, which is basic and polar, at codon 4477 of the DNAH11 protein (p.Glu4477Lys). This variant is present in population databases (rs551275210, gnomAD 0.02%). This missense change has been observed in individual(s) with clinical features of DNAH11-related conditions (Invitae). ClinVar contains an entry for this variant (Variation ID: 658258). Advanced modeling of protein sequence and biophysical properties (such as structural, functional, and spatial information, amino acid conservation, physicochemical variation, residue mobility, and thermodynamic stability) performed at Invitae indicates that this missense variant is not expected to disrupt DNAH11 protein function. In summary, the available evidence is currently insufficient to determine the role of this variant in disease. Therefore, it has been classified as a Variant of Uncertain Significance.

Ambry Genetics
Classification: Uncertain significance for Primary ciliary dyskinesia. Last evaluated: 2022-10-12. Review status: criteria provided, single submitter. Criteria: Ambry Variant Classification Scheme 2023. Collection method: clinical testing. Allele origin: germline.